The following is an entry in ClinVar:

ClinVar aggregate classification (germline): Uncertain significance (1 of 4 stars; one submission).

Allele frequency attached by ClinVar (database versions not stated): gnomAD exomes below 0.00001; ExAC 0.00001; gnomAD 0.00001; TOPMed 0.00001.
gnomAD v4.1: 4 of 1,607,180 alleles (0.00025%); highest among the groups gnomAD compares: Non-Finnish European, 0.00034%; no homozygotes.

Submission:

Labcorp Genetics (formerly Invitae), Labcorp
Classification: Uncertain significance. Last evaluated: 2022-03-26. Review status: criteria provided, single submitter. Criteria: Invitae Variant Classification Sherloc (09022015). Collection method: clinical testing. Allele origin: germline.
Comment: In summary, the available evidence is currently insufficient to determine the role of this variant in disease. Therefore, it has been classified as a Variant of Uncertain Significance. This variant has not been reported in the literature in individuals affected with POLR3F-related conditions. This variant is present in population databases (rs753858573, gnomAD 0.002%). This sequence change affects codon 175 of the POLR3F mRNA. It is a 'silent' change, meaning that it does not change the encoded amino acid sequence of the POLR3F protein.

NM_006466.4(POLR3F):c.648G>A (p.Val216=)

Gene: POLR3F (RNA polymerase III subunit F; plus strand). Cytogenetic location: 20p11.23.
Variant type: single nucleotide variant.
Coding change: c.648G>A on transcript NM_006466.4 (MANE Select); coding-DNA position 648, G replaced by A.
Protein change: p.Val216=; no amino-acid change (valine 216 retained).
Molecular consequence: synonymous variant. On other transcripts: non-coding transcript variant (1).
Genome position (GRCh38, 1-based): chr20:18,480,476, G>A. VCF-style: chr20-18480476-G-A. GRCh37 (hg19) VCF-style: chr20-18461120-G-A.
Other names: c.525G>A, p.Val175= (NM_001282526.2); c.504G>A, p.Val168= (NM_001410821.1).
Identifiers: ClinVar variation 2174856 (VCV002174856.4), dbSNP rs753858573, ClinGen allele CA9777574.